The following is an entry in ClinVar:

NC_000017.10:g.(?_78090747)_(78110154_?)dup

Genes: GAA (alpha glucosidase; plus strand), EIF4A3 (eukaryotic translation initiation factor 4A3; minus strand). Cytogenetic location: 17q25.3.
Variant type: Duplication.
Identifiers: ClinVar variation 2422477 (VCV002422477.4).

ClinVar aggregate classification (germline): Uncertain significance (1 of 4 stars; one submission).

Conditions:
Glycogen storage disease, type II (IOPD). Also called: ACID ALPHA-GLUCOSIDASE DEFICIENCY, INFANTILE-ONSET; GAA DEFICIENCY, INFANTILE-ONSET; POMPE DISEASE, INFANTILE-ONSET; GLYCOGEN STORAGE DISEASE II, INFANTILE-ONSET; Glucosidase acid-1,4-alpha deficiency; ACID MALTASE DEFICIENCY, INFANTILE-ONSET. Identifiers: Orphanet 365, MedGen C0017921, MONDO:0009290, OMIM 232300.

Submission:

Labcorp Genetics (formerly Invitae), Labcorp
Classification: Uncertain significance for Glycogen storage disease, type II. Last evaluated: 2022-05-31. Review status: criteria provided, single submitter. Criteria: Invitae Variant Classification Sherloc (09022015). Collection method: clinical testing. Allele origin: germline.
Comment: This variant results in a copy number gain of the genomic region encompassing exon(s) 16-20 of the GAA gene. This region includes the termination codon of the gene. This copy number gain extends beyond the assayed region for this gene and therefore may encompass additional genes. As the precise location of this event is unknown, it may be in tandem or it may be located elsewhere in the genome. This variant has not been reported in the literature in individuals affected with GAA-related conditions. Experimental studies and prediction algorithms are not available or were not evaluated, and the functional significance of this variant is currently unknown. In summary, the available evidence is currently insufficient to determine the role of this variant in disease. Therefore, it has been classified as a Variant of Uncertain Significance.